The following is an entry in ClinVar:

NM_022765.4(MICAL1):c.2128C>T (p.Leu710Phe)

Gene: MICAL1 (microtubule associated monooxygenase, calponin and LIM domain containing 1; minus strand). Cytogenetic location: 6q21.
Variant type: single nucleotide variant.
Coding change: c.2128C>T on transcript NM_022765.4 (MANE Select); coding-DNA position 2128, C replaced by T.
Protein change: p.Leu710Phe; replaces leucine 710 with phenylalanine.
Molecular consequence: missense variant.
Genome position (GRCh38, 1-based): chr6:109,447,172, G>A on the plus strand (C>T on the coding strand, the complement: MICAL1 is on the minus strand). VCF-style: chr6-109447172-G-A. GRCh37 (hg19) VCF-style: chr6-109768375-G-A.
Other names: c.1870C>T, p.Leu624Phe (NM_001159291.2); c.2185C>T, p.Leu729Phe (NM_001286613.2); short protein forms L729F, L624F, L710F.
Identifiers: ClinVar variation 4703084 (VCV004703084.1).
Genomic context (GRCh38, chr6:109,447,172, plus strand): 5'-TGGCCTCACAGGTATGGCAGCGGAAGCAGCTCCGGTGGAAGAAATGGCCGTTGACACAGA[G>A]GCGTTCCAGGACATAGAGGTGTTCCCCACAAAGTGCACACAGGTCCCCAGCACCGGCCTG-3'
Protein context (NP_073602.3, residues 700-720): CGEHLYVLER[Leu710Phe]CVNGHFFHRS

ClinVar aggregate classification (germline): Uncertain significance (1 of 4 stars; one submission).

gnomAD v4.1: 2 of 1,614,200 alleles (0.00012%); highest among the groups gnomAD compares: South Asian, 0.0011%; no homozygotes.

Submission:

Labcorp Genetics (formerly Invitae), Labcorp
Classification: Uncertain significance. Last evaluated: 2025-11-01. Review status: criteria provided, single submitter. Criteria: Invitae Variant Classification Sherloc (09022015). Collection method: clinical testing. Allele origin: germline.
Comment: This sequence change replaces leucine, which is neutral and non-polar, with phenylalanine, which is neutral and non-polar, at codon 729 of the MICAL1 protein (p.Leu729Phe). This variant is present in population databases (rs777936022, gnomAD 0.003%). This variant has not been reported in the literature in individuals affected with MICAL1-related conditions. An algorithm developed to predict the effect of missense changes on protein structure and function outputs the following: PolyPhen-2: "Benign". The phenylalanine amino acid residue is found in multiple mammalian species, which suggests that this missense change does not adversely affect protein function. In summary, the available evidence is currently insufficient to determine the role of this variant in disease. Therefore, it has been classified as a Variant of Uncertain Significance.